The following is an entry in ClinVar:

ClinVar aggregate classification (germline): Uncertain significance (1 of 4 stars; one submission).

Allele frequency attached by ClinVar (database versions not stated): gnomAD exomes below 0.00001.

Submission:

Labcorp Genetics (formerly Invitae), Labcorp
Classification: Uncertain significance. Last evaluated: 2021-12-22. Review status: criteria provided, single submitter. Criteria: Invitae Variant Classification Sherloc (09022015). Collection method: clinical testing. Allele origin: germline.
Comment: This sequence change falls in intron 7 of the TPP1 gene. It does not directly change the encoded amino acid sequence of the TPP1 protein. It affects a nucleotide within the consensus splice site. This variant is not present in population databases (gnomAD no frequency). This variant has not been reported in the literature in individuals affected with TPP1-related conditions. Variants that disrupt the consensus splice site are a relatively common cause of aberrant splicing (PMID: 17576681, 9536098). Algorithms developed to predict the effect of sequence changes on RNA splicing suggest that this variant may disrupt the consensus splice site. In summary, the available evidence is currently insufficient to determine the role of this variant in disease. Therefore, it has been classified as a Variant of Uncertain Significance.

Literature cited by the submitters: PubMed 17576681; PubMed 9536098.

NM_000391.4(TPP1):c.886+4C>T

Gene: TPP1 (tripeptidyl peptidase 1; minus strand). Cytogenetic location: 11p15.4.
Variant type: single nucleotide variant.
Coding change: c.886+4C>T on transcript NM_000391.4 (MANE Select); 4 bases into the intron after coding-DNA position 886, C replaced by T.
Molecular consequence: intron variant.
Genome position (GRCh38, 1-based): chr11:6,616,657, G>A on the plus strand (C>T on the coding strand, the complement: TPP1 is on the minus strand). VCF-style: chr11-6616657-G-A. GRCh37 (hg19) VCF-style: chr11-6637888-G-A.
Identifiers: ClinVar variation 2169777 (VCV002169777.4), dbSNP rs991370286, ClinGen allele CA217322869.
Genomic context (GRCh38, chr11:6,616,657, plus strand): 5'-AGGGAGCAGGGATCAACACCCATCTCCCACCCCCTTCCCCACTGTCCAGTCCTCTTGGTA[G>A]TACCAGGGCTACTGTAGACCCAGGTGGAGATGTTGGCACCAGCACTCATCAGGTACTGCA-3'